The following is an entry in ClinVar:

ClinVar aggregate classification (germline): Likely benign (1 of 4 stars; one submission).

gnomAD v4.1: 3 of 1,610,654 alleles (0.00019%); highest among the groups gnomAD compares: Non-Finnish European, 0.00025%; no homozygotes.

Submission:

CeGaT Center for Human Genetics Tuebingen
Classification: Likely benign. Last evaluated: 2022-07-01. Review status: criteria provided, single submitter. Criteria: CeGaT Center For Human Genetics Tuebingen Variant Classification Criteria Version 2. Collection method: clinical testing. Allele origin: germline. Affected: yes. Observed: 1 variant allele.
Comment: PKD1: PM2:Supporting, BP4, BP7

NM_001009944.3(PKD1):c.4104G>C (p.Ala1368=)

Gene: PKD1 (polycystin 1, transient receptor potential channel interacting; minus strand). Cytogenetic location: 16p13.3.
Variant type: single nucleotide variant.
Coding change: c.4104G>C on transcript NM_001009944.3 (MANE Select); coding-DNA position 4104, G replaced by C.
Protein change: p.Ala1368=; no amino-acid change (alanine 1368 retained).
Molecular consequence: synonymous variant.
Genome position (GRCh38, 1-based): chr16:2,111,063, C>G on the plus strand (G>C on the coding strand, the complement: PKD1 is on the minus strand). VCF-style: chr16-2111063-C-G. GRCh37 (hg19) VCF-style: chr16-2161064-C-G.
Other names: c.4104G>C, p.Ala1368= (NM_000296.4).
Identifiers: ClinVar variation 2646019 (VCV002646019.24), dbSNP rs745896866, ClinGen allele CA493048426.